The following is an entry in ClinVar:

NM_001242896.3(DEPDC5):c.812T>C (p.Leu271Pro)

Gene: DEPDC5 (DEP domain containing 5, GATOR1 subcomplex subunit; plus strand). Cytogenetic location: 22q12.2.
Variant type: single nucleotide variant.
Coding change: c.812T>C on transcript NM_001242896.3 (MANE Select); coding-DNA position 812, T replaced by C.
Protein change: p.Leu271Pro; replaces leucine 271 with proline.
Molecular consequence: missense variant. On other transcripts: non-coding transcript variant (5).
Genome position (GRCh38, 1-based): chr22:31,797,644, T>C. VCF-style: chr22-31797644-T-C. GRCh37 (hg19) VCF-style: chr22-32193630-T-C.
Other names: c.812T>C, p.Leu271Pro (NM_001007188.4, NM_001136029.4, NM_001242897.2 and 7 more transcripts); c.728T>C, p.Leu243Pro (NM_001369901.1, NM_001369902.1); short protein forms L243P, L271P.
Identifiers: ClinVar variation 3644094 (VCV003644094.2).

ClinVar aggregate classification (germline): Uncertain significance (1 of 4 stars; one submission).

Conditions:
Familial focal epilepsy with variable foci (FPEVF). Identifiers: Orphanet 98820, MedGen C1858477, MONDO:0020310.

Submission:

Labcorp Genetics (formerly Invitae), Labcorp
Classification: Uncertain significance for Familial focal epilepsy with variable foci. Last evaluated: 2024-03-02. Review status: criteria provided, single submitter. Criteria: Invitae Variant Classification Sherloc (09022015). Collection method: clinical testing. Allele origin: germline.
Comment: This sequence change replaces leucine, which is neutral and non-polar, with proline, which is neutral and non-polar, at codon 271 of the DEPDC5 protein (p.Leu271Pro). This variant is not present in population databases (gnomAD no frequency). This variant has not been reported in the literature in individuals affected with DEPDC5-related conditions. Experimental studies and prediction algorithms are not available or were not evaluated, and the functional significance of this variant is currently unknown. In summary, the available evidence is currently insufficient to determine the role of this variant in disease. Therefore, it has been classified as a Variant of Uncertain Significance.